The following is an entry in ClinVar:

ClinVar aggregate classification (germline): Uncertain significance. Review status: criteria provided, multiple submitters, no conflicts (2 of 4 stars). 3 submissions from 3 submitters: Uncertain significance (2). 1 of the submissions does not count toward it. Last evaluated 2023-06-29.

Conditions:
Fanconi anemia (FA). Also called: Fanconi's anemia. Identifiers: Orphanet 84, MedGen C0015625, MeSH D005199, MONDO:0019391.

Allele frequency attached by ClinVar (database versions not stated): gnomAD 0.00001; gnomAD exomes 0.00002 and 0.00005; TOPMed 0.00002; ExAC 0.00004.
gnomAD v4.1: 25 of 1,613,320 alleles (0.0015%); highest among the groups gnomAD compares: East Asian, 0.025%; no homozygotes.

Submissions (3):

Quest Diagnostics Nichols Institute San Juan Capistrano
Classification: Uncertain significance. Last evaluated: 2023-06-29. Review status: criteria provided, single submitter. Criteria: Quest Diagnostics criteria. Collection method: clinical testing. Allele origin: unknown.
Comment: To the best of our knowledge, this variant has not been reported in the published literature. The frequency of this variant in the general population, 0.0005 (10/19954 chromosomes (Genome Aggregation Database)), is uninformative in the assessment of its pathogenicity. Analysis of this variant using software algorithms for the prediction of the effect of nucleotide changes on splicing yielded predictions that this variant does not affect FANCA mRNA splicing . Based on the available information, we are unable to determine the clinical significance of this variant.

Labcorp Genetics (formerly Invitae), Labcorp
Classification: Uncertain significance for Fanconi anemia. Last evaluated: 2022-07-19. Review status: criteria provided, single submitter. Criteria: Invitae Variant Classification Sherloc (09022015). Collection method: clinical testing. Allele origin: germline.
Comment: This sequence change falls in intron 6 of the FANCA gene. It does not directly change the encoded amino acid sequence of the FANCA protein. It affects a nucleotide within the consensus splice site. This variant is present in population databases (rs758345423, gnomAD 0.05%). This variant has not been reported in the literature in individuals affected with FANCA-related conditions. ClinVar contains an entry for this variant (Variation ID: 665939). Variants that disrupt the consensus splice site are a relatively common cause of aberrant splicing (PMID: 17576681, 9536098). Algorithms developed to predict the effect of sequence changes on RNA splicing suggest that this variant is not likely to affect RNA splicing. In summary, the available evidence is currently insufficient to determine the role of this variant in disease. Therefore, it has been classified as a Variant of Uncertain Significance.

Natera, Inc.
Classification: Uncertain significance for Fanconi anemia. Last evaluated: 2020-03-04. Review status: no assertion criteria provided. Collection method: clinical testing. Allele origin: germline. Not counted in ClinVar's aggregate classification.

Literature cited by the submitters: PubMed 17576681 (cited by Quest Diagnostics Nichols Institute San Juan Capistrano and Labcorp Genetics (formerly Invitae), Labcorp); PubMed 9536098 (cited by Quest Diagnostics Nichols Institute San Juan Capistrano and Labcorp Genetics (formerly Invitae), Labcorp).

NM_000135.4(FANCA):c.596+5C>T

Gene: FANCA (FA complementation group A; minus strand). Cytogenetic location: 16q24.3.
Variant type: single nucleotide variant.
Coding change: c.596+5C>T on transcript NM_000135.4 (MANE Select); 5 bases into the intron after coding-DNA position 596, C replaced by T.
Molecular consequence: intron variant.
Genome position (GRCh38, 1-based): chr16:89,808,289, G>A on the plus strand (C>T on the coding strand, the complement: FANCA is on the minus strand). VCF-style: chr16-89808289-G-A. GRCh37 (hg19) VCF-style: chr16-89874697-G-A.
Other names: c.596+5C>T (LRG_495t1, NM_001286167.3, NM_001018112.3 and 1 more transcripts); c.500+5C>T (NM_001351830.2).
Identifiers: ClinVar variation 665939 (VCV000665939.7), dbSNP rs758345423, ClinGen allele CA8252919.
Genomic context (GRCh38, chr16:89,808,289, plus strand): 5'-GAAATATAATTTATACTAGACTAGACTGCAAAAACAGTAACACTGAATCATCATTAGCAC[G>A]CTACCTTTCCAGCAGCTCTTGCAGGCTCACAATGCCTTGTACGTGAAGATGCCACACCGC-3'